The following is an entry in ClinVar:

NM_001347721.2(DYRK1A):c.287A>G (p.Lys96Arg)

Gene: DYRK1A (dual specificity tyrosine phosphorylation regulated kinase 1A; plus strand). Cytogenetic location: 21q22.13.
Variant type: single nucleotide variant.
Coding change: c.287A>G on transcript NM_001347721.2 (MANE Select); coding-DNA position 287, A replaced by G.
Protein change: p.Lys96Arg; replaces lysine 96 with arginine.
Molecular consequence: missense variant.
Genome position (GRCh38, 1-based): chr21:37,478,287, A>G. VCF-style: chr21-37478287-A-G. GRCh37 (hg19) VCF-style: chr21-38850589-A-G.
Other names: c.200A>G, p.Lys67Arg (NM_001347723.2); c.314A>G, p.Lys105Arg (NM_001396.5, NM_101395.2, NM_130438.2); c.287A>G, p.Lys96Arg (NM_130436.2, NM_001347722.2); short protein forms K67R, K105R, K96R.
Identifiers: ClinVar variation 3633354 (VCV003633354.2).

ClinVar aggregate classification (germline): Uncertain significance (1 of 4 stars; one submission).

Conditions:
DYRK1A-related intellectual disability syndrome (MRD7). Also called: Intellectual developmental disorder, autosomal dominant 7; DYRK1A Syndrome. Identifiers: Orphanet 464306, MedGen C5568143, MONDO:0013578, OMIM 614104.

Submission:

Labcorp Genetics (formerly Invitae), Labcorp
Classification: Uncertain significance for DYRK1A-related intellectual disability syndrome. Last evaluated: 2024-01-25. Review status: criteria provided, single submitter. Criteria: Invitae Variant Classification Sherloc (09022015). Collection method: clinical testing. Allele origin: germline.
Comment: This sequence change replaces lysine, which is basic and polar, with arginine, which is basic and polar, at codon 105 of the DYRK1A protein (p.Lys105Arg). This variant is not present in population databases (gnomAD no frequency). This variant has not been reported in the literature in individuals affected with DYRK1A-related conditions. Advanced modeling of protein sequence and biophysical properties (such as structural, functional, and spatial information, amino acid conservation, physicochemical variation, residue mobility, and thermodynamic stability) has been performed at Invitae for this missense variant, however the output from this modeling did not meet the statistical confidence thresholds required to predict the impact of this variant on DYRK1A protein function. In summary, the available evidence is currently insufficient to determine the role of this variant in disease. Therefore, it has been classified as a Variant of Uncertain Significance.